The following is an entry in ClinVar:

NM_032043.3(BRIP1):c.1165G>C (p.Val389Leu)

Gene: BRIP1 (BRCA1 interacting DNA helicase 1; minus strand). Cytogenetic location: 17q23.2.
Variant type: single nucleotide variant.
Coding change: c.1165G>C on transcript NM_032043.3 (MANE Select); coding-DNA position 1165, G replaced by C.
Protein change: p.Val389Leu; replaces valine 389 with leucine.
Molecular consequence: missense variant.
Genome position (GRCh38, 1-based): chr17:61,799,275, C>G on the plus strand (G>C on the coding strand, the complement: BRIP1 is on the minus strand). VCF-style: chr17-61799275-C-G. GRCh37 (hg19) VCF-style: chr17-59876636-C-G.
Other names: short protein forms V389L.
Identifiers: ClinVar variation 1345481 (VCV001345481.8), dbSNP rs587780825, ClinGen allele CA400483780.

ClinVar aggregate classification (germline): Uncertain significance. Review status: criteria provided, multiple submitters, no conflicts (2 of 4 stars). 2 submissions from 2 submitters: Uncertain significance (2). Last evaluated 2021-08-26.

Conditions:
Familial cancer of breast. Also called: BREAST CANCER, FAMILIAL; hereditary breast carcinoma; Hereditary breast cancer. Identifiers: Orphanet 227535, MedGen C0346153, MONDO:0016419, OMIM 114480. Disease mechanism: loss of function.
Fanconi anemia complementation group J. Also called: BRIP1-Related Fanconi Anemia. Identifiers: Orphanet 84, MedGen C1836860, MONDO:0012187, OMIM 609054.
Hereditary cancer-predisposing syndrome. Also called: Hereditary Cancer Syndrome; Neoplastic Syndromes, Hereditary; Tumor predisposition; Hereditary neoplastic syndrome. Identifiers: Orphanet 140162, MedGen C0027672, MeSH D009386, MONDO:0015356.

Submissions (2):

Labcorp Genetics (formerly Invitae), Labcorp
Classification: Uncertain significance for Familial cancer of breast; Fanconi anemia complementation group J. Last evaluated: 2021-08-26. Review status: criteria provided, single submitter. Criteria: Invitae Variant Classification Sherloc (09022015). Collection method: clinical testing. Allele origin: germline.
Comment: This sequence change replaces valine with leucine at codon 389 of the BRIP1 protein (p.Val389Leu). The valine residue is moderately conserved and there is a small physicochemical difference between valine and leucine. This variant is not present in population databases (ExAC no frequency). This variant has not been reported in the literature in individuals affected with BRIP1-related conditions. Algorithms developed to predict the effect of missense changes on protein structure and function are either unavailable or do not agree on the potential impact of this missense change (SIFT: "Tolerated"; PolyPhen-2: "Possibly Damaging"; Align-GVGD: "Class C0"). In summary, the available evidence is currently insufficient to determine the role of this variant in disease. Therefore, it has been classified as a Variant of Uncertain Significance.

Ambry Genetics
Classification: Uncertain significance for Hereditary cancer-predisposing syndrome. Last evaluated: 2021-01-22. Review status: criteria provided, single submitter. Criteria: Ambry Variant Classification Scheme 2023. Collection method: clinical testing. Allele origin: germline.
Comment: The p.V389L variant (also known as c.1165G>C), located in coding exon 8 of the BRIP1 gene, results from a G to C substitution at nucleotide position 1165. The valine at codon 389 is replaced by leucine, an amino acid with highly similar properties. This amino acid position is not well conserved in available vertebrate species. In addition, this alteration is predicted to be tolerated by in silico analysis. Since supporting evidence is limited at this time, the clinical significance of this alteration remains unclear.